The following is an entry in ClinVar:

ClinVar aggregate classification (germline): Uncertain significance (1 of 4 stars; one submission).

Submission:

Labcorp Genetics (formerly Invitae), Labcorp
Classification: Uncertain significance. Last evaluated: 2025-11-03. Review status: criteria provided, single submitter. Criteria: Invitae Variant Classification Sherloc (09022015). Collection method: clinical testing. Allele origin: germline.
Comment: This sequence change replaces serine, which is neutral and polar, with arginine, which is basic and polar, at codon 288 of the NXF5 protein (p.Ser288Arg). This variant is present in population databases (no rsID available, gnomAD 0.008%). This variant has not been reported in the literature in individuals affected with NXF5-related conditions. An algorithm developed to predict the effect of missense changes on protein structure and function (PolyPhen-2) suggests that this variant is likely to be tolerated. In summary, the available evidence is currently insufficient to determine the role of this variant in disease. Therefore, it has been classified as a Variant of Uncertain Significance.

NC_000023.11:g.101837837G>T

Gene: NXF5 (nuclear RNA export factor 5; minus strand). Cytogenetic location: Xq22.1.
Variant type: single nucleotide variant.
Molecular consequence: non-coding transcript variant (on NR_028089.1).
Genome position: GRCh38 VCF-style: chrX-101837837-G-T. GRCh37 (hg19) VCF-style: chrX-101092809-G-T.
Identifiers: ClinVar variation 4766628 (VCV004766628.1).